The following is an entry in ClinVar:

Conditions:
Breast-ovarian cancer, familial, susceptibility to, 1 (BROVCA1). Also called: BRCA1 Hereditary Breast and Ovarian Cancer; OVARIAN CANCER, SUSCEPTIBILITY TO. Identifiers: Orphanet 145, MedGen C2676676, MONDO:0011450, OMIM 604370. Disease mechanism: loss of function.

Submission:

Brotman Baty Institute, University of Washington
No classification provided (evidence only). Condition: Breast-ovarian cancer, familial 1. Review status: no classification provided. Collection method: in vitro. Allele origin: not applicable. Functional consequence: functionally_normal.
ClinVar note: "not provided" was previously submitted as the classification for the variant. However, the classification appeared to be based only on an observation of functional data so it was converted to no classification on 2025-07-30.

NM_007294.4(BRCA1):c.5336A>C (p.Gln1779Pro)

Gene: BRCA1 (BRCA1 DNA repair associated; minus strand). Cytogenetic location: 17q21.31.
Variant type: single nucleotide variant.
Coding change: c.5336A>C on transcript NM_007294.4 (MANE Select); coding-DNA position 5336, A replaced by C.
Protein change: p.Gln1779Pro; replaces glutamine 1779 with proline.
Molecular consequence: missense variant. On other transcripts: non-coding transcript variant (1), intron variant (1).
Genome position (GRCh38, 1-based): chr17:43,049,191, T>G on the plus strand (A>C on the coding strand, the complement: BRCA1 is on the minus strand). VCF-style: chr17-43049191-T-G. GRCh37 (hg19) VCF-style: chr17-41201208-T-G.
Other names: c.5123A>C, p.Gln1708Pro (NM_001407571.1, NM_001407894.1, NM_001407908.1 and 12 more transcripts); c.5402A>C, p.Gln1801Pro (NM_001407581.1, NM_001407582.1); c.5399A>C, p.Gln1800Pro (NM_001407583.1, NM_001407585.1, NM_001407587.1 and 1 more transcripts); c.5396A>C, p.Gln1799Pro (NM_001407590.1, NM_001407591.1); c.5336A>C, p.Gln1779Pro (NM_001407593.1, NM_001407594.1, NM_001407596.1 and 5 more transcripts); c.5333A>C, p.Gln1778Pro (NM_001407610.1, NM_001407611.1, NM_001407612.1 and 14 more transcripts); c.5330A>C, p.Gln1777Pro (NM_001407628.1, NM_001407629.1, NM_001407630.1 and 13 more transcripts); c.5279A>C, p.Gln1760Pro (NM_001407648.1); and 73 more; short protein forms Q675P, Q1732P, Q1800P, Q1779P, Q1482P, Q1483P, Q1625P, Q1652P.
Identifiers: ClinVar variation 865634 (VCV000865634.3), dbSNP rs2051096772, ClinGen allele CA10590791.